The following is an entry in ClinVar:

NM_001292063.2(OTOG):c.925C>T (p.Gln309Ter)

Gene: OTOG (otogelin; plus strand). Cytogenetic location: 11p15.1.
Variant type: single nucleotide variant.
Coding change: c.925C>T on transcript NM_001292063.2 (MANE Select); coding-DNA position 925, C replaced by T.
Protein change: p.Gln309Ter; replaces glutamine 309 with a stop codon.
Molecular consequence: nonsense.
Genome position (GRCh38, 1-based): chr11:17,558,244, C>T. VCF-style: chr11-17558244-C-T. GRCh37 (hg19) VCF-style: chr11-17579791-C-T.
Other names: c.961C>T, p.Gln321Ter (NM_001277269.2); short protein forms Q309*, Q321*.
Identifiers: ClinVar variation 1456319 (VCV001456319.6), dbSNP rs1302265167, ClinGen allele CA379814460.
Genomic context (GRCh38, chr11:17,558,244, plus strand): 5'-GGGAAGCTGACTGACGACGTGGTTGAGTTTGTGCACAGCTGGCAGGAGCAGGCCCCTAAC[C>T]AGCCTCCAGGGCCCACAACTTCCTCCCTGCCTCGCCCACCGTGCCTACAGCAGAACCCAG-3'

ClinVar aggregate classification (germline): Pathogenic (1 of 4 stars; one submission).

Allele frequency attached by ClinVar (database versions not stated): TOPMed below 0.00001; gnomAD 0.00001; gnomAD exomes 0.00003 and 0.00007.
gnomAD v4.1: 106 of 1,550,504 alleles (0.0068%); highest among the groups gnomAD compares: Non-Finnish European, 0.0089%; no homozygotes.

Submission:

Labcorp Genetics (formerly Invitae), Labcorp
Classification: Pathogenic. Last evaluated: 2021-03-26. Review status: criteria provided, single submitter. Criteria: Invitae Variant Classification Sherloc (09022015). Collection method: clinical testing. Allele origin: germline.
Comment: For these reasons, this variant has been classified as Pathogenic. This variant has not been reported in the literature in individuals with OTOG-related conditions. The frequency data for this variant in the population databases is considered unreliable, as metrics indicate insufficient coverage at this position in the ExAC database. This sequence change creates a premature translational stop signal (p.Gln321*) in the OTOG gene. It is expected to result in an absent or disrupted protein product. Loss-of-function variants in OTOG are known to be pathogenic (PMID: 23122587).

Literature cited by the submitters: PubMed 23122587.